The following is an entry in ClinVar:

ClinVar aggregate classification (germline): Uncertain significance. Review status: criteria provided, multiple submitters, no conflicts (2 of 4 stars). 2 submissions from 2 submitters: Uncertain significance (2). Last evaluated 2025-03-29.

Conditions:
Inborn genetic diseases. Identifiers: MedGen C0950123, MeSH D030342.
Fanconi anemia complementation group A (FANCA). Also called: FANCA-Related Fanconi Anemia; Fanconi anemia, group A. Identifiers: Orphanet 84, MedGen C3469521, MONDO:0009215, OMIM 227650.

gnomAD v4.1: 5 of 1,613,956 alleles (0.00031%); highest among the groups gnomAD compares: African/African-American, 0.0067%; no homozygotes.

Submissions (2):

Ambry Genetics
Classification: Uncertain significance for Inborn genetic diseases. Last evaluated: 2025-03-29. Review status: criteria provided, single submitter. Criteria: Ambry Variant Classification Scheme 2023. Collection method: clinical testing. Allele origin: germline.
Comment: The p.E180D variant (also known as c.540A>C), located in coding exon 6 of the FANCA gene, results from an A to C substitution at nucleotide position 540. The glutamic acid at codon 180 is replaced by aspartic acid, an amino acid with highly similar properties. This amino acid position is conserved. In addition, the in silico prediction for this alteration is inconclusive. Based on the available evidence, the clinical significance of this variant remains unclear.

Fulgent Genetics
Classification: Uncertain significance for Fanconi anemia complementation group A. Last evaluated: 2024-02-06. Review status: criteria provided, single submitter. Criteria: ACMG Guidelines, 2015. Collection method: clinical testing. Allele origin: germline.

NM_000135.4(FANCA):c.540A>C (p.Glu180Asp)

Gene: FANCA (FA complementation group A; minus strand). Cytogenetic location: 16q24.3.
Variant type: single nucleotide variant.
Coding change: c.540A>C on transcript NM_000135.4 (MANE Select); coding-DNA position 540, A replaced by C.
Protein change: p.Glu180Asp; replaces glutamic acid 180 with aspartic acid.
Molecular consequence: missense variant.
Genome position (GRCh38, 1-based): chr16:89,808,350, T>G on the plus strand (A>C on the coding strand, the complement: FANCA is on the minus strand). VCF-style: chr16-89808350-T-G. GRCh37 (hg19) VCF-style: chr16-89874758-T-G.
Other names: c.540A>C, p.Glu180Asp (NM_001018112.3, NM_001286167.3); c.444A>C, p.Glu148Asp (NM_001351830.2); short protein forms E180D, E148D.
Identifiers: ClinVar variation 3581571 (VCV003581571.2).
Genomic context (GRCh38, chr16:89,808,350, plus strand): 5'-CTACCTTTCCAGCAGCTCTTGCAGGCTCACAATGCCTTGTACGTGAAGATGCCACACCGC[T>G]TCAAGCAACAAAGAACTCTGAAAAACAAAACAAAACAAACAAAAACAAAAACAAAAAAAC-3'
Protein context (NP_000126.2, residues 170-190): LWKIQSSLLL[Glu180Asp]AVWHLHVQGI